The following is an entry in ClinVar:

ClinVar aggregate classification (germline): Uncertain significance (1 of 4 stars; one submission).

Conditions:
Inborn genetic diseases. Identifiers: MedGen C0950123, MeSH D030342.

Submission:

Ambry Genetics
Classification: Uncertain significance for Inborn genetic diseases. Last evaluated: 2025-06-22. Review status: criteria provided, single submitter. Criteria: Ambry Variant Classification Scheme 2023. Collection method: clinical testing. Allele origin: germline.
Comment: The p.D717V variant (also known as c.2150A>T), located in coding exon 13 of the PIK3CA gene, results from an A to T substitution at nucleotide position 2150. The aspartic acid at codon 717 is replaced by valine, an amino acid with highly dissimilar properties. This amino acid position is conserved. In addition, this alteration is predicted to be deleterious by in silico analysis. Based on the available evidence, the clinical significance of this variant remains unclear.

NM_006218.4(PIK3CA):c.2150A>T (p.Asp717Val)

Gene: PIK3CA (phosphatidylinositol-4,5-bisphosphate 3-kinase catalytic subunit alpha; plus strand). Cytogenetic location: 3q26.32.
Variant type: single nucleotide variant.
Coding change: c.2150A>T on transcript NM_006218.4 (MANE Select); coding-DNA position 2150, A replaced by T.
Protein change: p.Asp717Val; replaces aspartic acid 717 with valine.
Molecular consequence: missense variant.
Genome position (GRCh38, 1-based): chr3:179,221,120, A>T. VCF-style: chr3-179221120-A-T. GRCh37 (hg19) VCF-style: chr3-178938908-A-T.
Other names: short protein forms D717V.
Identifiers: ClinVar variation 4136782 (VCV004136782.1).
Genomic context (GRCh38, chr3:179,221,120, plus strand): 5'-TGTATTTGAAGCACCTGAATAGGCAAGTCGAGGCAATGGAAAAGCTCATTAACTTAACTG[A>T]CATTCTCAAACAGGAGAAGAAGGATGAAACACAAAAGGTGTGTGACTCTAGTTTGTGTTT-3'
Protein context (NP_006209.2, residues 707-727): EAMEKLINLT[Asp717Val]ILKQEKKDET